The following is an entry in ClinVar:

ClinVar aggregate classification (germline): Uncertain significance (1 of 4 stars; one submission).

gnomAD v4.1: 7 of 1,239,058 alleles (0.00056%); highest among the groups gnomAD compares: Non-Finnish European, 0.00071%; no homozygotes.

Submission:

GeneDx
Classification: Uncertain significance. Last evaluated: 2024-05-02. Review status: criteria provided, single submitter. Criteria: GeneDx Variant Classification Process June 2021. Collection method: clinical testing. Allele origin: germline. Affected: yes.
Comment: Not observed at significant frequency in large population cohorts (gnomAD); In silico analysis indicates that this missense variant does not alter protein structure/function; Has not been previously published as pathogenic or benign to our knowledge

NM_003076.5(SMARCD1):c.131C>T (p.Pro44Leu)

Genes: SMARCD1 (SWI/SNF related BAF chromatin remodeling complex subunit D1; plus strand), LOC130007872 (ATAC-STARR-seq lymphoblastoid silent region 4446; plus strand). Cytogenetic location: 12q13.12.
Variant type: single nucleotide variant.
Coding change: c.131C>T on transcript NM_003076.5 (MANE Select); coding-DNA position 131, C replaced by T.
Protein change: p.Pro44Leu; replaces proline 44 with leucine.
Molecular consequence: missense variant.
Genome position (GRCh38, 1-based): chr12:50,085,500, C>T. VCF-style: chr12-50085500-C-T. GRCh37 (hg19) VCF-style: chr12-50479283-C-T.
Other names: c.131C>T, p.Pro44Leu (NM_139071.3); short protein forms P44L.
Identifiers: ClinVar variation 3376049 (VCV003376049.1).
Genomic context (GRCh38, chr12:50,085,500, plus strand): 5'-CGGCTGCTGCCTTGGGCCCGGGCGGAACTCCGGGGCCTCCTGTGCGAATGGGCCCGGCTC[C>T]GGGTCAAGGGCTGTACCGCTCCCCGATGCCCGGAGCGGCCTATCCGGTGAGTGGGGCAGG-3'
Protein context (NP_003067.3, residues 34-54): PGPPVRMGPA[Pro44Leu]GQGLYRSPMP